The following is an entry in ClinVar:

ClinVar aggregate classification (germline): Uncertain significance. Review status: criteria provided, multiple submitters, no conflicts (2 of 4 stars). 3 submissions from 3 submitters: Uncertain significance (3). Last evaluated 2024-09-28.

Conditions:
Autosomal dominant nonsyndromic hearing loss 13. Identifiers: Orphanet 90635, MedGen C1866095, MONDO:0011159, OMIM 601868.
Fibrochondrogenesis 2 (FBCG2). Identifiers: Orphanet 2021, MedGen C3281128, MONDO:0013795, OMIM 614524.
Autosomal recessive nonsyndromic hearing loss 53. Identifiers: Orphanet 90636, MedGen C1864746, MONDO:0012333, OMIM 609706.
Otospondylomegaepiphyseal dysplasia, autosomal recessive (OSMEDB). Also called: CHONDRODYSTROPHY WITH SENSORINEURAL DEAFNESS; Insley-Astley syndrome. Identifiers: Orphanet 1427, MedGen CN034493, MONDO:0044206, OMIM 215150.
Otospondylomegaepiphyseal dysplasia, autosomal dominant (OSMEDA). Also called: Pierre Robin syndrome with fetal chondrodysplasia; COL11A2-Related Stickler Syndrome; Stickler syndrome, type 3. Identifiers: Orphanet 166100, Orphanet 3450, MedGen C1848488, MONDO:0008490, OMIM 184840.

Allele frequency attached by ClinVar (database versions not stated): TOPMed below 0.00001; gnomAD 0.00001.
gnomAD v4.1: 3 of 1,612,768 alleles (0.00019%); highest among the groups gnomAD compares: African/African-American, 0.0027%; no homozygotes.

Submissions (3):

Labcorp Genetics (formerly Invitae), Labcorp
Classification: Uncertain significance. Last evaluated: 2024-09-28. Review status: criteria provided, single submitter. Criteria: Invitae Variant Classification Sherloc (09022015). Collection method: clinical testing. Allele origin: germline.
Comment: This sequence change replaces aspartic acid, which is acidic and polar, with asparagine, which is neutral and polar, at codon 1259 of the COL11A2 protein (p.Asp1259Asn). This variant is not present in population databases (gnomAD no frequency). This variant has not been reported in the literature in individuals affected with COL11A2-related conditions. ClinVar contains an entry for this variant (Variation ID: 1187127). Invitae Evidence Modeling of protein sequence and biophysical properties (such as structural, functional, and spatial information, amino acid conservation, physicochemical variation, residue mobility, and thermodynamic stability) indicates that this missense variant is not expected to disrupt COL11A2 protein function with a negative predictive value of 95%. In summary, the available evidence is currently insufficient to determine the role of this variant in disease. Therefore, it has been classified as a Variant of Uncertain Significance.

GeneDx
Classification: Uncertain significance. Last evaluated: 2022-01-03. Review status: criteria provided, single submitter. Criteria: GeneDx Variant Classification Process June 2021. Collection method: clinical testing. Allele origin: germline. Affected: yes.
Comment: Has not been previously published as pathogenic or benign to our knowledge; Not observed in large population cohorts (gnomAD); In silico analysis supports that this missense variant has a deleterious effect on protein structure/function

Fulgent Genetics
Classification: Uncertain significance for Otospondylomegaepiphyseal dysplasia, autosomal dominant; Otospondylomegaepiphyseal dysplasia, autosomal recessive; Autosomal dominant nonsyndromic hearing loss 13; Autosomal recessive nonsyndromic hearing loss 53; Fibrochondrogenesis 2. Last evaluated: 2021-07-28. Review status: criteria provided, single submitter. Criteria: ACMG Guidelines, 2015. Collection method: clinical testing. Allele origin: unknown.

NM_080680.3(COL11A2):c.3775G>A (p.Asp1259Asn)

Gene: COL11A2 (collagen type XI alpha 2 chain; minus strand). Cytogenetic location: 6p21.32.
Variant type: single nucleotide variant.
Coding change: c.3775G>A on transcript NM_080680.3 (MANE Select); coding-DNA position 3775, G replaced by A.
Protein change: p.Asp1259Asn; replaces aspartic acid 1259 with asparagine.
Molecular consequence: missense variant.
Genome position (GRCh38, 1-based): chr6:33,169,406, C>T on the plus strand (G>A on the coding strand, the complement: COL11A2 is on the minus strand). VCF-style: chr6-33169406-C-T. GRCh37 (hg19) VCF-style: chr6-33137183-C-T.
Other names: c.3454G>A, p.Asp1152Asn (NM_080679.3); c.3517G>A, p.Asp1173Asn (NM_080681.3); short protein forms D1152N, D1173N, D1259N.
Identifiers: ClinVar variation 1187127 (VCV001187127.11), dbSNP rs1205676646, ClinGen allele CA363627546.